The following is an entry in ClinVar:

ClinVar aggregate classification (germline): Pathogenic/Likely pathogenic. Review status: criteria provided, multiple submitters, no conflicts (2 of 4 stars). 8 submissions from 8 submitters: Pathogenic (2); Likely pathogenic (5). 1 of the submissions does not count toward it. Last evaluated 2025-05-10.

Conditions:
BCKDHA-related disorder. Also called: BCKDHA-related condition.
Maple syrup urine disease type 1A (MSUD1A). Also called: MSUD type 1A. Identifiers: MedGen C1855369, MONDO:0023691, OMIM 248600.
Maple syrup urine disease (MSUD). Identifiers: Orphanet 511, MedGen C0024776, MeSH D008375, MONDO:0009563. Disease mechanism: loss of function.

Allele frequency attached by ClinVar (database versions not stated): TOPMed below 0.00001; gnomAD exomes 0.00001; gnomAD 0.00001.

Submissions (8):

Myriad Genetics, Inc.
Classification: Likely pathogenic for Maple syrup urine disease type 1A. Last evaluated: 2025-05-10. Review status: criteria provided, single submitter. Criteria: Myriad Autosomal Dominant, Autosomal Recessive and X-Linked Classification Criteria (2023). Collection method: clinical testing. Allele origin: unknown.
Comment: NM_000709.3(BCKDHA):c.929C>G(T310R) is a missense variant classified as likely pathogenic in the context of maple syrup urine disease type Ia. T310R has been observed in cases with relevant disease (PMID: 9582350, 33088714). Relevant functional assessments of this variant are available in the literature (PMID: 7883996). Internal structural analysis of the variant is supportive of pathogenicity. T310R has been observed in referenced population frequency databases. In summary, NM_000709.3(BCKDHA):c.929C>G(T310R) is a missense variant that has internal structural support for pathogenicity and has been observed more frequently in cases with the relevant disease than in healthy populations. Please note: this variant was assessed in the context of healthy population screening.

Natera, Inc.
Classification: Likely pathogenic for Maple syrup urine disease type 1A. Last evaluated: 2024-06-18. Review status: criteria provided, single submitter. Criteria: Natera Variant Classification Schema (03/2026). Collection method: clinical testing. Allele origin: germline.
Comment: The c.929C>G variant in BCKDHA is a missense variant predicted to cause substitution of threonine to arginine at amino acid 310. This variant is rare in the general population with a frequency below the threshold expected for the associated phenotype(s). This variant has been observed in one or more individuals affected with the associated recessive disease, as either homozygous or compound heterozygous with a second variant (PMID: 9582350, 33088714). Functional studies show that this variant may disrupt protein function (PMID: 9582350). Computational prediction algorithms indicate this variant is likely to affect gene or protein function. Given the available evidence, this variant is classified as Likely Pathogenic.

GeneDx
Classification: Likely pathogenic. Last evaluated: 2024-03-07. Review status: criteria provided, single submitter. Criteria: GeneDx Variant Classification Process June 2021. Collection method: clinical testing. Allele origin: germline. Affected: yes.
Comment: Published functional studies demonstrate that p.(T310R) decreased thermal stability and E1 catalytic activity in vitro (PMID: 9582350); Not observed at significant frequency in large population cohorts (gnomAD); In silico analysis supports that this missense variant has a deleterious effect on protein structure/function; Also known as T265R; This variant is associated with the following publications: (PMID: 9609836, 9582350, 10745006, 18378174, 33088714)

Fulgent Genetics
Classification: Likely pathogenic for Maple syrup urine disease type 1A. Last evaluated: 2023-12-28. Review status: criteria provided, single submitter. Criteria: ACMG Guidelines, 2015. Collection method: clinical testing. Allele origin: germline.

Blueprint Genetics
Classification: Likely pathogenic for BCKDHA-related disorders. Last evaluated: 2022-05-06. Review status: criteria provided, single submitter. Criteria: ACMG Guidelines, 2015. Collection method: clinical testing. Allele origin: germline. Affected: yes. Observed: 1 variant allele.

Women's Health and Genetics/Laboratory Corporation of America, LabCorp
Classification: Pathogenic for Maple syrup urine disease. Last evaluated: 2022-03-30. Review status: criteria provided, single submitter. Criteria: LabCorp Variant Classification Summary - May 2015. Collection method: clinical testing. Allele origin: germline.
Comment: Variant summary: BCKDHA c.929C>G (p.Thr310Arg) results in a non-conservative amino acid change located in the Dehydrogenase, E1 component domain (IPR001017) of the encoded protein sequence. This variant, located in the helix 11 region of a hydrophobic core is thought to be disrupted by the large and charged side chain of the Arg residue (AEvarrson_2000). Five of five in-silico tools predict a damaging effect of the variant on protein function. The variant allele was found at a frequency of 8e-06 in 251382 control chromosomes. c.929C>G has been reported in the literature as a compound heterozygous genotype in at-least one individual affected with Maple Syrup Urine Disease (example, Wynn_1998 cited by others). At least one publication reports experimental evidence evaluating an impact on protein function (example, Wynn_1998). The most pronounced variant effect results in non-detectable E1 Decarboxylase component enzyme activity of branched-chain ketoacid dehydrogenase complex in-vitro due to an adverse impact on E1-alpha folding and subunit interactions. No clinical diagnostic laboratories have submitted clinical-significance assessments for this variant to ClinVar after 2014. Based on the evidence outlined above, the variant was classified as pathogenic.

Eurofins Ntd Llc (ga)
Classification: Pathogenic. Last evaluated: 2013-08-25. Review status: criteria provided, single submitter. Criteria: EGL Classification Definitions. Collection method: clinical testing. Allele origin: germline. Observed: 2 variant alleles, 2 heterozygotes.

OMIM
Classification: Pathogenic for MAPLE SYRUP URINE DISEASE, TYPE IA. Last evaluated: 1998-05-22. Review status: no assertion criteria provided. Collection method: literature only. Allele origin: germline. Not counted in ClinVar's aggregate classification.

Literature cited by the submitters: PubMed 33088714 (cited by Myriad Genetics, Inc. and Natera, Inc.); PubMed 7883996 (cited by Myriad Genetics, Inc.); PubMed 9582350 (cited by 4 submitters); PubMed 18378174 (cited by Women's Health and Genetics/Laboratory Corporation of America, LabCorp); PubMed 10745006 (cited by Women's Health and Genetics/Laboratory Corporation of America, LabCorp).

NM_000709.4(BCKDHA):c.929C>G (p.Thr310Arg)

Gene: BCKDHA (branched chain keto acid dehydrogenase E1 subunit alpha; plus strand). Cytogenetic location: 19q13.2.
Variant type: single nucleotide variant.
Coding change: c.929C>G on transcript NM_000709.4 (MANE Select); coding-DNA position 929, C replaced by G.
Protein change: p.Thr310Arg; replaces threonine 310 with arginine.
Molecular consequence: missense variant.
Genome position (GRCh38, 1-based): chr19:41,422,704, C>G. VCF-style: chr19-41422704-C-G. GRCh37 (hg19) VCF-style: chr19-41928609-C-G.
Other names: T265R; c.926C>G, p.Thr309Arg (NM_001164783.2); short protein forms T309R, T310R.
Identifiers: ClinVar variation 2381 (VCV000002381.14), dbSNP rs137852875, ClinGen allele CA115518.